The following is an entry in ClinVar:

NM_007294.4(BRCA1):c.3768A>G (p.Thr1256=)

Genes: BRCA1 (BRCA1 DNA repair associated; minus strand), LOC126862571 (BRD4-independent group 4 enhancer GRCh37_chr17:41243136-41244335; plus strand). Cytogenetic location: 17q21.31.
Variant type: single nucleotide variant.
Coding change: c.3768A>G on transcript NM_007294.4 (MANE Select); coding-DNA position 3768, A replaced by G.
Protein change: p.Thr1256=; no amino-acid change (threonine 1256 retained).
Molecular consequence: synonymous variant. On other transcripts: intron variant (135).
Genome position (GRCh38, 1-based): chr17:43,091,763, T>C on the plus strand (A>G on the coding strand, the complement: BRCA1 is on the minus strand). VCF-style: chr17-43091763-T-C. GRCh37 (hg19) VCF-style: chr17-41243780-T-C.
Other names: c.3624A>G, p.Thr1208= (NM_001407838.1, NM_001407839.1, NM_001407841.1 and 20 more transcripts); c.3627A>G, p.Thr1209= (NM_001407850.1, NM_001407851.1, NM_001407852.1 and 29 more transcripts); c.3555A>G, p.Thr1185= (NM_001407853.1, NM_001407894.1, NM_001407895.1 and 9 more transcripts); c.3768A>G, p.Thr1256= (NM_001407854.1, NM_001407858.1, NM_001407859.1 and 30 more transcripts); c.3765A>G, p.Thr1255= (NM_001407860.1, NM_001407861.1, NM_001407587.1 and 22 more transcripts); c.3567A>G, p.Thr1189= (NM_001407862.1); c.3645A>G, p.Thr1215= (NM_001407863.1, NM_001407919.1, NM_001407937.1 and 19 more transcripts); c.3564A>G, p.Thr1188= (NM_001407874.1, NM_001407875.1); and 41 more.
Identifiers: ClinVar variation 186246 (VCV000186246.20), dbSNP rs786202803, ClinGen allele CA002423.
Genomic context (GRCh38, chr17:43,091,763, plus strand): 5'-CAATATTACCTGGTTACTGCAGTCATTTAAGCTATTCTTCAATGATAATAAATTCTCCTC[T>C]GTGTTCTTAGACAGACACTCGGTAGCAACGGTGCTATGCCTAGTAGACTGAGAAGGTATA-3'
Protein context (NP_009225.1, residues 1246-1266): TVATECLSKN[Thr1256=]EENLLSLKNS

ClinVar aggregate classification (germline): Likely benign. Review status: reviewed by expert panel (3 of 4 stars). 5 submissions from 5 submitters: Likely benign (1). 4 of the submissions do not count toward it. Last evaluated 2017-06-29.

Conditions:
Hereditary breast ovarian cancer syndrome. Also called: Hereditary breast and ovarian cancer syndrome; Hereditary breast and ovarian cancer syndrome (HBOC); BRCA1- and BRCA2-Associated Hereditary Breast and Ovarian Cancer; Breast and ovarian cancer; Hereditary breast and ovarian cancer; Hereditary breast and/or ovarian cancer syndrome. Identifiers: Orphanet 145, MedGen C0677776, MeSH D061325, MONDO:0003582. Disease mechanism: loss of function.
Hereditary cancer-predisposing syndrome. Also called: Hereditary Cancer Syndrome; Hereditary neoplastic syndrome; Tumor predisposition; Neoplastic Syndromes, Hereditary. Identifiers: Orphanet 140162, MedGen C0027672, MeSH D009386, MONDO:0015356.
Breast-ovarian cancer, familial, susceptibility to, 1 (BROVCA1). Also called: OVARIAN CANCER, SUSCEPTIBILITY TO; BRCA1 Hereditary Breast and Ovarian Cancer. Identifiers: Orphanet 145, MedGen C2676676, MONDO:0011450, OMIM 604370. Disease mechanism: loss of function.

Allele frequency attached by ClinVar (database versions not stated): TOPMed below 0.00001; gnomAD exomes 0.00001.

Submissions (5):

Evidence-based Network for the Interpretation of Germline Mutant Alleles (ENIGMA)
Classification: Likely benign for Breast-ovarian cancer, familial, susceptibility to, 1. Last evaluated: 2017-06-29. Review status: reviewed by expert panel. Criteria: ENIGMA BRCA1/2 Classification Criteria (2017-06-29). Collection method: curation. Allele origin: germline.
Comment: Synonymous substitution variant, with low bioinformatic likelihood to result in a splicing aberration (Splicing prior probability 0.02).

Labcorp Genetics (formerly Invitae), Labcorp
Classification: Likely benign for Hereditary breast ovarian cancer syndrome. Last evaluated: 2025-11-04. Review status: criteria provided, single submitter. Criteria: Invitae Variant Classification Sherloc (09022015). Collection method: clinical testing. Allele origin: germline. Not counted in ClinVar's aggregate classification.

All of Us Research Program, National Institutes of Health
Classification: Likely benign for Breast-ovarian cancer, familial, susceptibility to, 1. Last evaluated: 2023-05-16. Review status: criteria provided, single submitter. Criteria: ACMG Guidelines, 2015. Collection method: clinical testing. Allele origin: germline. Inheritance: Autosomal dominant inheritance. Observed: 3 variant alleles, 3 heterozygotes. Not counted in ClinVar's aggregate classification.
Comment: This study involves interpretation of variants in research participants for the purpose of population health screening. Participant phenotype was not available at the time of variant classification. Additional details can be found in publication PMID: 35346344, PMCID: PMC8962531

GeneDx
Classification: Likely benign. Last evaluated: 2017-06-01. Review status: criteria provided, single submitter. Criteria: GeneDx Variant Classification (06012015). Collection method: clinical testing. Allele origin: germline. Affected: yes. Not counted in ClinVar's aggregate classification.
Comment: This variant is considered likely benign or benign based on one or more of the following criteria: it is a conservative change, it occurs at a poorly conserved position in the protein, it is predicted to be benign by multiple in silico algorithms, and/or has population frequency not consistent with disease.

Ambry Genetics
Classification: Likely benign for Hereditary cancer-predisposing syndrome. Last evaluated: 2014-09-30. Review status: criteria provided, single submitter. Criteria: Ambry Variant Classification Scheme 2023. Collection method: clinical testing. Allele origin: germline. Not counted in ClinVar's aggregate classification.